The following is an entry in ClinVar:

NM_004304.5(ALK):c.2712T>A (p.His904Gln)

Gene: ALK (ALK receptor tyrosine kinase; minus strand). Cytogenetic location: 2p23.2.
Variant type: single nucleotide variant.
Coding change: c.2712T>A on transcript NM_004304.5 (MANE Select); coding-DNA position 2712, T replaced by A.
Protein change: p.His904Gln; replaces histidine 904 with glutamine.
Molecular consequence: missense variant.
Genome position (GRCh38, 1-based): chr2:29,228,987, A>T on the plus strand (T>A on the coding strand, the complement: ALK is on the minus strand). VCF-style: chr2-29228987-A-T. GRCh37 (hg19) VCF-style: chr2-29451853-A-T.
Other names: short protein forms H904Q.
Identifiers: ClinVar variation 470803 (VCV000470803.11), dbSNP rs766742720, ClinGen allele CA1594212.

ClinVar aggregate classification (germline): Conflicting classifications of pathogenicity. Review status: criteria provided, conflicting classifications (1 of 4 stars). 5 submissions from 5 submitters: Uncertain significance (4); Likely benign (1). Last evaluated 2025-08-27.

Conditions:
Neuroblastoma, susceptibility to, 3. Also called: ALK-Related Neuroblastic Tumor Susceptibility. Identifiers: Orphanet 635, MedGen C2751681, MONDO:0013083, OMIM 613014.
Hereditary cancer-predisposing syndrome. Also called: Hereditary neoplastic syndrome; Neoplastic Syndromes, Hereditary; Tumor predisposition; Hereditary Cancer Syndrome. Identifiers: Orphanet 140162, MedGen C0027672, MeSH D009386, MONDO:0015356.

Allele frequency attached by ClinVar (database versions not stated): ExAC 0.00001; gnomAD exomes 0.00002.
gnomAD v4.1: 5 of 1,490,894 alleles (0.00034%); highest among the groups gnomAD compares: Admixed American, 0.0018%; no homozygotes.

Submissions (5):

Labcorp Genetics (formerly Invitae), Labcorp
Classification: Uncertain significance for Neuroblastoma, susceptibility to, 3. Last evaluated: 2025-08-27. Review status: criteria provided, single submitter. Criteria: Invitae Variant Classification Sherloc (09022015). Collection method: clinical testing. Allele origin: germline.
Comment: This sequence change replaces histidine, which is basic and polar, with glutamine, which is neutral and polar, at codon 904 of the ALK protein (p.His904Gln). This variant is present in population databases (rs766742720, gnomAD 0.003%). This variant has not been reported in the literature in individuals affected with ALK-related conditions. ClinVar contains an entry for this variant (Variation ID: 470803). An algorithm developed to predict the effect of missense changes on protein structure and function (PolyPhen-2) suggests that this variant is likely to be tolerated. In summary, the available evidence is currently insufficient to determine the role of this variant in disease. Therefore, it has been classified as a Variant of Uncertain Significance.

Ambry Genetics
Classification: Likely benign for Hereditary cancer-predisposing syndrome. Last evaluated: 2025-02-11. Review status: criteria provided, single submitter. Criteria: Ambry Variant Classification Scheme 2023. Collection method: clinical testing. Allele origin: germline.

Fulgent Genetics
Classification: Uncertain significance for Neuroblastoma, susceptibility to, 3. Last evaluated: 2024-06-06. Review status: criteria provided, single submitter. Criteria: ACMG Guidelines, 2015. Collection method: clinical testing. Allele origin: germline.

GeneDx
Classification: Uncertain significance. Last evaluated: 2024-01-30. Review status: criteria provided, single submitter. Criteria: GeneDx Variant Classification Process June 2021. Collection method: clinical testing. Allele origin: germline. Affected: yes.
Comment: Not observed at significant frequency in large population cohorts (gnomAD); In silico analysis supports that this missense variant does not alter protein structure/function; Has not been previously published as pathogenic or benign to our knowledge

Baylor Genetics
Classification: Uncertain significance for Neuroblastoma, susceptibility to, 3. Last evaluated: 2023-10-09. Review status: criteria provided, single submitter. Criteria: ACMG Guidelines, 2015. Collection method: clinical testing. Allele origin: unknown.